The following is an entry in ClinVar:

ClinVar aggregate classification (germline): Uncertain significance (1 of 4 stars; one submission).

Submission:

Labcorp Genetics (formerly Invitae), Labcorp
Classification: Uncertain significance. Last evaluated: 2023-06-04. Review status: criteria provided, single submitter. Criteria: Invitae Variant Classification Sherloc (09022015). Collection method: clinical testing. Allele origin: germline.
Comment: In summary, the available evidence is currently insufficient to determine the role of this variant in disease. Therefore, it has been classified as a Variant of Uncertain Significance. Experimental studies and prediction algorithms are not available or were not evaluated, and the functional significance of this variant is currently unknown. This variant has not been reported in the literature in individuals affected with ABRAXAS1-related conditions. This variant is not present in population databases (gnomAD no frequency). This variant, c.695_696insTAAAAAAAA, results in the insertion of 3 amino acid(s) of the ABRAXAS1 protein (p.Lys231_Lys232insAsnLysLys), but otherwise preserves the integrity of the reading frame.

NM_139076.3(ABRAXAS1):c.695_696insTAAAAAAAA (p.Lys231_Lys232insAsnLysLys)

Gene: ABRAXAS1 (abraxas 1, BRCA1 A complex subunit; minus strand). Cytogenetic location: 4q21.23.
Variant type: Microsatellite.
Coding change: c.695_696insTAAAAAAAA on transcript NM_139076.3 (MANE Select); coding-DNA positions 695 to 696, TAAAAAAAA inserted.
Protein change: p.Lys231_Lys232insAsnLysLys.
Molecular consequence: inframe insertion.
Genome position: GRCh38 VCF-style: chr4-83463594-T-TTTTTTTTTA. GRCh37 (hg19) VCF-style: chr4-84384747-T-TTTTTTTTTA.
Other names: c.368_369insTAAAAAAAA, p.Lys122_Lys123insAsnLysLys (NM_001345962.2).
Identifiers: ClinVar variation 1372567 (VCV001372567.9), dbSNP rs2110034084.